The following is an entry in ClinVar:

NM_015978.3(TNNI3K):c.1471C>T (p.Arg491Cys)

Genes: FPGT-TNNI3K (FPGT-TNNI3K readthrough; plus strand), TNNI3K (TNNI3 interacting kinase; plus strand). Cytogenetic location: 1p31.1.
Variant type: single nucleotide variant.
Coding change: c.1471C>T on transcript NM_015978.3 (MANE Select); coding-DNA position 1471, C replaced by T.
Protein change: p.Arg491Cys; replaces arginine 491 with cysteine.
Molecular consequence: missense variant.
Genome position (GRCh38, 1-based): chr1:74,369,263, C>T. VCF-style: chr1-74369263-C-T. GRCh37 (hg19) VCF-style: chr1-74834947-C-T.
Other names: c.1774C>T, p.Arg592Cys (NM_001112808.3, NM_001199327.2); short protein forms R491C, R592C.
Identifiers: ClinVar variation 1496771 (VCV001496771.11), dbSNP rs79936844, ClinGen allele CA909292.

ClinVar aggregate classification (germline): Conflicting classifications of pathogenicity. Review status: criteria provided, conflicting classifications (1 of 4 stars). 5 submissions from 5 submitters: Uncertain significance (4); Likely benign (1). Last evaluated 2025-12-19.

Conditions:
Inborn genetic diseases. Identifiers: MedGen C0950123, MeSH D030342.
Atrial conduction disease. Identifiers: Orphanet 436242, MedGen CN221670, MONDO:0014500.

Allele frequency attached by ClinVar (database versions not stated): ExAC 0.00003; gnomAD exomes 0.00003; gnomAD 0.00004; TOPMed 0.00010.
gnomAD v4.1: 88 of 1,611,766 alleles (0.0055%); highest among the groups gnomAD compares: Admixed American, 0.015%; no homozygotes.

Submissions (5):

Labcorp Genetics (formerly Invitae), Labcorp
Classification: Uncertain significance. Last evaluated: 2025-12-19. Review status: criteria provided, single submitter. Criteria: Invitae Variant Classification Sherloc (09022015). Collection method: clinical testing. Allele origin: germline.
Comment: This sequence change replaces arginine, which is basic and polar, with cysteine, which is neutral and slightly polar, at codon 491 of the TNNI3K protein (p.Arg491Cys). This variant is present in population databases (rs79936844, gnomAD 0.005%). This variant has not been reported in the literature in individuals affected with TNNI3K-related conditions. ClinVar contains an entry for this variant (Variation ID: 1496771). An algorithm developed to predict the effect of missense changes on protein structure and function (PolyPhen-2) suggests that this variant is likely to be tolerated. In summary, the available evidence is currently insufficient to determine the role of this variant in disease. Therefore, it has been classified as a Variant of Uncertain Significance.

Ambry Genetics
Classification: Uncertain significance for Inborn genetic diseases. Last evaluated: 2024-11-09. Review status: criteria provided, single submitter. Criteria: Ambry Variant Classification Scheme 2023. Collection method: clinical testing. Allele origin: germline.

Victorian Clinical Genetics Services, Murdoch Childrens Research Institute
Classification: Uncertain significance for Cardiac conduction disease with or without dilated cardiomyopathy 1. Last evaluated: 2023-07-16. Review status: criteria provided, single submitter. Criteria: ACMG Guidelines, 2015. Collection method: clinical testing. Allele origin: germline. Inheritance: Autosomal dominant inheritance. Affected: yes.
Comment: Based on the classification scheme VCGS_Germline_v1.3.4, this variant is classified as VUS-3B. Following criteria are met: 0101 - Gain of function is a known mechanism of disease in this gene and is associated with cardiac conduction disease with or without dilated cardiomyopathy (MIM#616117). Loss of function and dominant negative have also been suggested, however the evidence is currently limited (PMIDs: 30010057, 34203974). (I) 0107 - This gene is associated with autosomal dominant disease. (I) 0200 - Variant is predicted to result in a missense amino acid change from arginine to cysteine. It is also located within a non-canonical splice site region, but without proven consequence on splicing. (I) 0251 - This variant is heterozygous. (I) 0302 - Variant is present in gnomAD <0.001 for a dominant condition (v2 & v3: 13 heterozygotes, 0 homozygotes). (SP) 0309 - Alternative amino acid changes at the same position have been observed in gnomAD (v2 & v3) (highest allele count: 4 heterozygotes, 0 homozygotes). (I) 0502 - Missense variant with conflicting in silico predictions and uninformative conservation. (I) 0508 - In silico predictions for abnormal splicing are conflicting. (I) 0600 - Variant is located in the annotated protein tyrosine and serine/threonine kinase domain (DECIPHER). (I) 0710 - Another missense variant comparable to the one identified in this case has inconclusive previous evidence for pathogenicity. p.(Arg491His) has been reported as a VUS by a clinical testing laboratory (ClinVar). No comparable splice site variants have previous evidence for pathogenicity. (I) 0809 - Previous evidence of pathogenicity for this variant is inconclusive. This variant has been reported as a VUS by a clinical testing laboratory (ClinVar). (I) 0905 - No published segregation evidence has been identified for this variant. (I) 1007 - No published functional evidence has been identified for this variant. (I) 1208 - Inheritance information for this variant is not currently available in this individual. (I) Legend: (SP) - Supporting pathogenic, (I) - Information, (SB) - Supporting benign

Blueprint Genetics
Classification: Likely benign. Last evaluated: 2023-06-07. Review status: criteria provided, single submitter. Criteria: ACMG Guidelines, 2015. Collection method: clinical testing. Allele origin: germline.

Genome-Nilou Lab
Classification: Uncertain significance for Cardiac conduction disease with or without dilated cardiomyopathy 1. Last evaluated: 2023-04-11. Review status: criteria provided, single submitter. Criteria: ACMG Guidelines, 2015. Collection method: clinical testing. Allele origin: germline. Affected: no.

Literature cited by the submitters: PubMed 30010057 (cited by Victorian Clinical Genetics Services, Murdoch Childrens Research Institute); PubMed 34203974 (cited by Victorian Clinical Genetics Services, Murdoch Childrens Research Institute).